The following is an entry in ClinVar:

NM_020822.3(KCNT1):c.801G>A (p.Met267Ile)

Gene: KCNT1 (potassium sodium-activated channel subfamily T member 1; plus strand). Cytogenetic location: 9q34.3.
Variant type: single nucleotide variant.
Coding change: c.801G>A on transcript NM_020822.3 (MANE Select); coding-DNA position 801, G replaced by A.
Protein change: p.Met267Ile; replaces methionine 267 with isoleucine.
Molecular consequence: missense variant.
Genome position (GRCh38, 1-based): chr9:135,758,455, G>A. VCF-style: chr9-135758455-G-A. GRCh37 (hg19) VCF-style: chr9-138650301-G-A.
Other names: c.657G>A, p.Met219Ile (NM_001272003.2); short protein forms M267I, M219I.
Identifiers: ClinVar variation 4793965 (VCV004793965.1).

ClinVar aggregate classification (germline): Uncertain significance (1 of 4 stars; one submission).

Conditions:
Autosomal dominant nocturnal frontal lobe epilepsy 5. Also called: CILIARY DYSKINESIA, PRIMARY, 28, WITH SITUS INVERSUS; Epilepsy, nocturnal frontal lobe, 5; CILIARY DYSKINESIA, PRIMARY, 28, WITHOUT SITUS INVERSUS; KCNT1-Related Epilepsy. Identifiers: Orphanet 98784, MedGen C3554306, MONDO:0014002, OMIM 615005.
Developmental and epileptic encephalopathy, 14 (DEE14). Also called: Early infantile epileptic encephalopathy 14. Identifiers: Orphanet 293181, MedGen C3554195, MONDO:0013989, OMIM 614959.

Submission:

Labcorp Genetics (formerly Invitae), Labcorp
Classification: Uncertain significance for Autosomal dominant nocturnal frontal lobe epilepsy 5; Developmental and epileptic encephalopathy, 14. Last evaluated: 2025-06-17. Review status: criteria provided, single submitter. Criteria: Invitae Variant Classification Sherloc (09022015). Collection method: clinical testing. Allele origin: germline.
Comment: This sequence change replaces methionine, which is neutral and non-polar, with isoleucine, which is neutral and non-polar, at codon 267 of the KCNT1 protein (p.Met267Ile). This variant is not present in population databases (gnomAD no frequency). This variant has not been reported in the literature in individuals affected with KCNT1-related conditions. Invitae Evidence Modeling of protein sequence and biophysical properties (such as structural, functional, and spatial information, amino acid conservation, physicochemical variation, residue mobility, and thermodynamic stability) indicates that this missense variant is not expected to disrupt KCNT1 protein function with a negative predictive value of 80%. This variant disrupts the p.Met267 amino acid residue in KCNT1. Other variant(s) that disrupt this residue have been determined to be pathogenic (PMID: 28973083, 31618474). This suggests that this residue is clinically significant, and that variants that disrupt this residue are likely to be disease-causing. In summary, the available evidence is currently insufficient to determine the role of this variant in disease. Therefore, it has been classified as a Variant of Uncertain Significance.

Literature cited by the submitters: PubMed 28973083; PubMed 31618474.